The following is an entry in ClinVar:

ClinVar aggregate classification (germline): Uncertain significance. Review status: criteria provided, multiple submitters, no conflicts (2 of 4 stars). 4 submissions from 4 submitters: Uncertain significance (4). Last evaluated 2024-03-07.

Conditions:
Hereditary cancer-predisposing syndrome. Also called: Hereditary Cancer Syndrome; Hereditary neoplastic syndrome; Neoplastic Syndromes, Hereditary; Tumor predisposition. Identifiers: Orphanet 140162, MedGen C0027672, MeSH D009386, MONDO:0015356.
Peutz-Jeghers syndrome (PJS). Also called: POLYPOSIS, HAMARTOMATOUS INTESTINAL; POLYPS-AND-SPOTS SYNDROME; Peutz-Jeghers polyposis; Periorificial lentiginosis syndrome. Identifiers: Orphanet 2869, MedGen C0031269, MeSH D010580, MONDO:0008280, OMIM 175200.

Submissions (4):

Color Diagnostics, LLC DBA Color Health
Classification: Uncertain significance for Hereditary cancer-predisposing syndrome. Last evaluated: 2024-03-07. Review status: criteria provided, single submitter. Criteria: ACMG Guidelines, 2015. Collection method: clinical testing. Allele origin: germline.
Comment: This missense variant replaces lysine with glutamine at codon 388 of the STK11 protein. Computational prediction suggests that this variant may not impact protein structure and function (internally defined REVEL score threshold <= 0.5, PMID: 27666373). To our knowledge, functional studies have not been reported for this variant. This variant has not been reported in individuals affected with hereditary cancer in the literature. This variant has not been identified in the general population by the Genome Aggregation Database (gnomAD). The available evidence is insufficient to determine the role of this variant in disease conclusively. Therefore, this variant is classified as a Variant of Uncertain Significance.

Ambry Genetics
Classification: Uncertain significance for Hereditary cancer-predisposing syndrome. Last evaluated: 2022-01-29. Review status: criteria provided, single submitter. Criteria: Ambry Variant Classification Scheme 2023. Collection method: clinical testing. Allele origin: germline.
Comment: The p.K388Q variant (also known as c.1162A>C), located in coding exon 9 of the STK11 gene, results from an A to C substitution at nucleotide position 1162. The lysine at codon 388 is replaced by glutamine, an amino acid with similar properties. This amino acid position is conserved. In addition, this alteration is predicted to be tolerated by in silico analysis. Since supporting evidence is limited at this time, the clinical significance of this alteration remains unclear.

Labcorp Genetics (formerly Invitae), Labcorp
Classification: Uncertain significance for Peutz-Jeghers syndrome. Last evaluated: 2022-01-27. Review status: criteria provided, single submitter. Criteria: Invitae Variant Classification Sherloc (09022015). Collection method: clinical testing. Allele origin: germline.
Comment: This variant is not present in population databases (gnomAD no frequency). This sequence change replaces lysine, which is basic and polar, with glutamine, which is neutral and polar, at codon 388 of the STK11 protein (p.Lys388Gln). This variant has not been reported in the literature in individuals affected with STK11-related conditions. In summary, the available evidence is currently insufficient to determine the role of this variant in disease. Therefore, it has been classified as a Variant of Uncertain Significance. Algorithms developed to predict the effect of sequence changes on RNA splicing suggest that this variant may create or strengthen a splice site. Advanced modeling of protein sequence and biophysical properties (such as structural, functional, and spatial information, amino acid conservation, physicochemical variation, residue mobility, and thermodynamic stability) performed at Invitae indicates that this missense variant is expected to disrupt STK11 protein function. ClinVar contains an entry for this variant (Variation ID: 922618).

Genome-Nilou Lab
Classification: Uncertain significance for Peutz-Jeghers syndrome. Last evaluated: 2021-07-15. Review status: criteria provided, single submitter. Criteria: ACMG Guidelines, 2015. Collection method: clinical testing. Allele origin: germline. Affected: no.

NM_000455.5(STK11):c.1162A>C (p.Lys388Gln)

Gene: STK11 (serine/threonine kinase 11; plus strand). Cytogenetic location: 19p13.3.
Variant type: single nucleotide variant.
Coding change: c.1162A>C on transcript NM_000455.5 (MANE Select); coding-DNA position 1162, A replaced by C.
Protein change: p.Lys388Gln; replaces lysine 388 with glutamine.
Molecular consequence: missense variant.
Genome position (GRCh38, 1-based): chr19:1,226,507, A>C. VCF-style: chr19-1226507-A-C. GRCh37 (hg19) VCF-style: chr19-1226506-A-C.
Other names: short protein forms K388Q.
Identifiers: ClinVar variation 922618 (VCV000922618.17), dbSNP rs878853983, ClinGen allele CA402953441.